The following is an entry in ClinVar:

ClinVar aggregate classification (germline): Uncertain significance (1 of 4 stars; one submission).

Allele frequency attached by ClinVar (database versions not stated): gnomAD exomes 0.00001.
gnomAD v4.1: 8 of 1,613,854 alleles (0.0005%); highest among the groups gnomAD compares: Non-Finnish European, 0.00068%; no homozygotes.

Submission:

Labcorp Genetics (formerly Invitae), Labcorp
Classification: Uncertain significance. Last evaluated: 2021-12-27. Review status: criteria provided, single submitter. Criteria: Invitae Variant Classification Sherloc (09022015). Collection method: clinical testing. Allele origin: germline.
Comment: This sequence change replaces arginine, which is basic and polar, with glycine, which is neutral and non-polar, at codon 1026 of the ADGRV1 protein (p.Arg1026Gly). This variant is not present in population databases (gnomAD no frequency). This variant has not been reported in the literature in individuals affected with ADGRV1-related conditions. Algorithms developed to predict the effect of missense changes on protein structure and function are either unavailable or do not agree on the potential impact of this missense change (SIFT: "Deleterious"; PolyPhen-2: "Possibly Damaging"; Align-GVGD: "Class C0"). In summary, the available evidence is currently insufficient to determine the role of this variant in disease. Therefore, it has been classified as a Variant of Uncertain Significance.

NM_032119.4(ADGRV1):c.3076A>G (p.Arg1026Gly)

Gene: ADGRV1 (adhesion G protein-coupled receptor V1; plus strand). Cytogenetic location: 5q14.3.
Variant type: single nucleotide variant.
Coding change: c.3076A>G on transcript NM_032119.4 (MANE Select); coding-DNA position 3076, A replaced by G.
Protein change: p.Arg1026Gly; replaces arginine 1026 with glycine.
Molecular consequence: missense variant. On other transcripts: non-coding transcript variant (1).
Genome position (GRCh38, 1-based): chr5:90,647,551, A>G. VCF-style: chr5-90647551-A-G. GRCh37 (hg19) VCF-style: chr5-89943368-A-G.
Other names: short protein forms R1026G.
Identifiers: ClinVar variation 2057872 (VCV002057872.4), dbSNP rs2532029495, ClinGen allele CA360393133.
Genomic context (GRCh38, chr5:90,647,551, plus strand): 5'-ATTTCAGAACCTCGTGTAGTGAGGGTTCAGGAAGGTGAGACTGCCAACTTTACAGTTCTC[A>G]GAAATGGATCTGTTGATGTGACTTGCATGGTCCAGTATGCTACCAAGGATGGGAAGGCTA-3'
Protein context (NP_115495.3, residues 1016-1036): EGETANFTVL[Arg1026Gly]NGSVDVTCMV